The following is an entry in ClinVar:

ClinVar aggregate classification (germline): Benign/Likely benign. Review status: criteria provided, multiple submitters, no conflicts (2 of 4 stars). 6 submissions from 6 submitters: Benign (1); Likely benign (2). 3 of the submissions do not count toward it. Last evaluated 2026-02-04.

Conditions:
Granulomatous disease, chronic, autosomal recessive, cytochrome b-positive, type 3. Also called: GRANULOMATOUS DISEASE, CHRONIC, AUTOSOMAL RECESSIVE, 3; Granulomatous disease, chronic, autosomal recessive, cytochrome b-positive, type III; CGD, AUTOSOMAL RECESSIVE CYTOCHROME b-POSITIVE, TYPE III; GRANULOMATOUS DISEASE, CHRONIC, DUE TO NCF4 DEFICIENCY. Identifiers: Orphanet 379, MedGen C3151409, MONDO:0013507, OMIM 613960.
NCF4-related disorder. Also called: NCF4-related condition.

Allele frequency attached by ClinVar (database versions not stated): 1000 Genomes Project 30x 0.00062; 1000 Genomes Project 0.00080; ESP Exome Variant Server 0.00177; TOPMed 0.00190; ExAC 0.00252; gnomAD exomes 0.00308; gnomAD 0.00334 and 0.00347.
gnomAD v4.1: 4,965 of 1,613,768 alleles (0.31%); highest among the groups gnomAD compares: Non-Finnish European, 0.29%; 20 homozygotes.

Submissions (6):

Labcorp Genetics (formerly Invitae), Labcorp
Classification: Benign for Granulomatous disease, chronic, autosomal recessive, cytochrome b-positive, type 3. Last evaluated: 2026-02-04. Review status: criteria provided, single submitter. Criteria: Invitae Variant Classification Sherloc (09022015). Collection method: clinical testing. Allele origin: germline.

CeGaT Center for Human Genetics Tuebingen
Classification: Likely benign. Last evaluated: 2026-02-01. Review status: criteria provided, single submitter. Criteria: CeGaT Center For Human Genetics Tuebingen Variant Classification Criteria Version 2. Collection method: clinical testing. Allele origin: germline. Affected: yes. Observed: 2 variant alleles.
Comment: NCF4: BP4

GeneDx
Classification: Likely benign. Last evaluated: 2021-05-05. Review status: criteria provided, single submitter. Criteria: GeneDx Variant Classification Process June 2021. Collection method: clinical testing. Allele origin: germline. Affected: yes.
Comment: See Variant Classification Assertion Criteria.

PreventionGenetics, part of Exact Sciences
Classification: Benign for NCF4-related condition. Last evaluated: 2019-10-02. Review status: no assertion criteria provided. Collection method: clinical testing. Allele origin: germline. Not counted in ClinVar's aggregate classification.
Comment: This variant is classified as benign based on ACMG/AMP sequence variant interpretation guidelines (Richards et al. 2015 PMID: 25741868, with internal and published modifications).

Clinical Genetics DNA and cytogenetics Diagnostics Lab, Erasmus MC, Erasmus Medical Center
Classification: Likely benign. Review status: no assertion criteria provided. Collection method: clinical testing. Allele origin: germline. Affected: yes. Study: VKGL Data-share Consensus. Not counted in ClinVar's aggregate classification.

Genome Diagnostics Laboratory, University Medical Center Utrecht
Classification: Likely benign. Review status: no assertion criteria provided. Collection method: clinical testing. Allele origin: germline. Affected: yes. Study: VKGL Data-share Consensus. Not counted in ClinVar's aggregate classification.

NM_000631.5(NCF4):c.343-4A>G

Genes: NCF4 (neutrophil cytosolic factor 4; plus strand), NCF4-AS1 (NCF4 antisense RNA 1; minus strand). Cytogenetic location: 22q12.3.
Variant type: single nucleotide variant.
Coding change: c.343-4A>G on transcript NM_000631.5 (MANE Select); 4 bases into the intron before coding-DNA position 343, A replaced by G.
Molecular consequence: intron variant. On other transcripts: non-coding transcript variant (1).
Genome position (GRCh38, 1-based): chr22:36,870,411, A>G. VCF-style: chr22-36870411-A-G. GRCh37 (hg19) VCF-style: chr22-37266453-A-G.
Other names: c.343-4A>G (NM_013416.4).
Identifiers: ClinVar variation 471812 (VCV000471812.22), dbSNP rs79312013, ClinGen allele CA10212965.